The following is an entry in ClinVar:

NM_015570.4(AUTS2):c.3116G>A (p.Ser1039Asn)

Gene: AUTS2 (activator of transcription and developmental regulator AUTS2; plus strand). Cytogenetic location: 7q11.22.
Variant type: single nucleotide variant.
Coding change: c.3116G>A on transcript NM_015570.4 (MANE Select); coding-DNA position 3116, G replaced by A.
Protein change: p.Ser1039Asn; replaces serine 1039 with asparagine.
Molecular consequence: missense variant.
Genome position (GRCh38, 1-based): chr7:70,790,332, G>A. VCF-style: chr7-70790332-G-A. GRCh37 (hg19) VCF-style: chr7-70255318-G-A.
Other names: c.3044G>A, p.Ser1015Asn (NM_001127231.3); short protein forms S1015N, S1039N.
Identifiers: ClinVar variation 5020161 (VCV005020161.1).

ClinVar aggregate classification (germline): Uncertain significance (1 of 4 stars; one submission).

Submission:

Dasa
Classification: Uncertain significance. Last evaluated: 2026-07-21. Review status: criteria provided, single submitter. Criteria: DASA Assertion Criteria. Collection method: clinical testing. Allele origin: germline.
Comment: NM_015570.4(AUTS2):c.3116G>A (p.Ser1039Asn) is a missense variant that results in the substitution of serine with asparagine. This variant is rare in population databases. Computational prediction algorithms are consistent with a benign effect. The currently available literature and clinical evidence are not sufficient to establish a definitive association between this variant and the reported condition. Therefore, this variant is classified as a variant of uncertain significance.